The following is an entry in ClinVar:

ClinVar aggregate classification (germline): Uncertain significance (1 of 4 stars; one submission).

Submission:

GeneDx
Classification: Uncertain significance. Last evaluated: 2023-05-13. Review status: criteria provided, single submitter. Criteria: GeneDx Variant Classification Process June 2021. Collection method: clinical testing. Allele origin: germline. Affected: yes.
Comment: Not observed at significant frequency in large population cohorts (gnomAD); In silico analysis supports that this missense variant does not alter protein structure/function; Has not been previously published as pathogenic or benign to our knowledge

NM_005458.8(GABBR2):c.784A>G (p.Lys262Glu)

Gene: GABBR2 (gamma-aminobutyric acid type B receptor subunit 2; minus strand). Cytogenetic location: 9q22.33.
Variant type: single nucleotide variant.
Coding change: c.784A>G on transcript NM_005458.8 (MANE Select); coding-DNA position 784, A replaced by G.
Protein change: p.Lys262Glu; replaces lysine 262 with glutamic acid.
Molecular consequence: missense variant.
Genome position (GRCh38, 1-based): chr9:98,480,946, T>C on the plus strand (A>G on the coding strand, the complement: GABBR2 is on the minus strand). VCF-style: chr9-98480946-T-C. GRCh37 (hg19) VCF-style: chr9-101243228-T-C.
Other names: short protein forms K262E.
Identifiers: ClinVar variation 1343933 (VCV001343933.3), dbSNP rs2131642636, ClinGen allele CA374351734.
Genomic context (GRCh38, chr9:98,480,946, plus strand): 5'-TCGTGAACCTCCCCAAAGACACGAATGATACAACTGTTTTACTTACACAACAGAACACTT[T>C]TGCTGCCATATTCTGGTCAAACTGGCCAAGGATGATCCGCACATCATTCCCCTGTGGATG-3'
Protein context (NP_005449.5, residues 252-272): LGQFDQNMAA[Lys262Glu]VFCCAYEENM